The following is an entry in ClinVar:

NM_004519.4(KCNQ3):c.178G>A (p.Gly60Arg)

Gene: KCNQ3 (potassium voltage-gated channel subfamily Q member 3; minus strand). Cytogenetic location: 8q24.22.
Variant type: single nucleotide variant.
Coding change: c.178G>A on transcript NM_004519.4 (MANE Select); coding-DNA position 178, G replaced by A.
Protein change: p.Gly60Arg; replaces glycine 60 with arginine.
Molecular consequence: missense variant.
Genome position (GRCh38, 1-based): chr8:132,480,355, C>T on the plus strand (G>A on the coding strand, the complement: KCNQ3 is on the minus strand). VCF-style: chr8-132480355-C-T. GRCh37 (hg19) VCF-style: chr8-133492602-C-T.
Other names: short protein forms G60R.
Identifiers: ClinVar variation 941767 (VCV000941767.9), dbSNP rs1283325203, ClinGen allele CA372292740.

ClinVar aggregate classification (germline): Uncertain significance (1 of 4 stars; one submission).

Conditions:
Benign neonatal seizures. Also called: Benign neonatal familial convulsions; Convulsions benign familial neonatal dominant form; Autosomal dominant form of benign neonatal seizures; Benign familial neonatal epilepsy; Benign familial neonatal seizures. Identifiers: Orphanet 1949, MedGen C0220669, MONDO:0016027.

Allele frequency attached by ClinVar (database versions not stated): gnomAD 0.00001; TOPMed 0.00001.

Submission:

Labcorp Genetics (formerly Invitae), Labcorp
Classification: Uncertain significance for Benign neonatal seizures. Last evaluated: 2024-02-02. Review status: criteria provided, single submitter. Criteria: Invitae Variant Classification Sherloc (09022015). Collection method: clinical testing. Allele origin: germline.
Comment: This sequence change replaces glycine, which is neutral and non-polar, with arginine, which is basic and polar, at codon 60 of the KCNQ3 protein (p.Gly60Arg). This variant is not present in population databases (gnomAD no frequency). This variant has not been reported in the literature in individuals affected with KCNQ3-related conditions. ClinVar contains an entry for this variant (Variation ID: 941767). Advanced modeling of protein sequence and biophysical properties (such as structural, functional, and spatial information, amino acid conservation, physicochemical variation, residue mobility, and thermodynamic stability) has been performed at Invitae for this missense variant, however the output from this modeling did not meet the statistical confidence thresholds required to predict the impact of this variant on KCNQ3 protein function. In summary, the available evidence is currently insufficient to determine the role of this variant in disease. Therefore, it has been classified as a Variant of Uncertain Significance.